The following is an entry in ClinVar:

NM_002471.4(MYH6):c.5628G>T (p.Lys1876Asn)

Gene: MYH6 (myosin heavy chain 6; minus strand). Cytogenetic location: 14q11.2.
Variant type: single nucleotide variant.
Coding change: c.5628G>T on transcript NM_002471.4 (MANE Select); coding-DNA position 5628, G replaced by T.
Protein change: p.Lys1876Asn; replaces lysine 1876 with asparagine.
Molecular consequence: missense variant.
Genome position (GRCh38, 1-based): chr14:23,383,258, C>A on the plus strand (G>T on the coding strand, the complement: MYH6 is on the minus strand). VCF-style: chr14-23383258-C-A. GRCh37 (hg19) VCF-style: chr14-23852467-C-A.
Other names: c.5628G>T (NM_002471.3); short protein forms K1876N.
Identifiers: ClinVar variation 1414226 (VCV001414226.10), dbSNP rs1390751455, ClinGen allele CA388983154.

ClinVar aggregate classification (germline): Uncertain significance. Review status: criteria provided, multiple submitters, no conflicts (2 of 4 stars). 3 submissions from 3 submitters: Uncertain significance (3). Last evaluated 2025-05-11.

Conditions:
Cardiovascular phenotype. Identifiers: MedGen CN230736.
Hypertrophic cardiomyopathy 1 (CMH1). Also called: Familial hypertrophic cardiomyopathy 1; MYH7-Related Familial Hypertrophic Cardiomyopathy. Identifiers: MedGen C3495498, MONDO:0008647, OMIM 192600.
Atrial septal defect 3 (ASD3). Identifiers: Orphanet 1478, MedGen C3279790, MONDO:0013567, OMIM 614089.
Sick sinus syndrome 3, susceptibility to (SSS3). Identifiers: Orphanet 166282, MedGen C3279791, MONDO:0013568, OMIM 614090.
Dilated cardiomyopathy 1EE (CMD1EE). Identifiers: Orphanet 154, MedGen C2750466, MONDO:0013198, OMIM 613252.
Hypertrophic cardiomyopathy 14. Identifiers: MedGen C2750467, MONDO:0013197, OMIM 613251.

Allele frequency attached by ClinVar (database versions not stated): gnomAD exomes below 0.00001.

Submissions (3):

Labcorp Genetics (formerly Invitae), Labcorp
Classification: Uncertain significance for Hypertrophic cardiomyopathy 14. Last evaluated: 2025-05-11. Review status: criteria provided, single submitter. Criteria: Invitae Variant Classification Sherloc (09022015). Collection method: clinical testing. Allele origin: germline.
Comment: This sequence change replaces lysine, which is basic and polar, with asparagine, which is neutral and polar, at codon 1876 of the MYH6 protein (p.Lys1876Asn). This variant is not present in population databases (gnomAD no frequency). This variant has not been reported in the literature in individuals affected with MYH6-related conditions. ClinVar contains an entry for this variant (Variation ID: 1414226). Invitae Evidence Modeling of protein sequence and biophysical properties (such as structural, functional, and spatial information, amino acid conservation, physicochemical variation, residue mobility, and thermodynamic stability) indicates that this missense variant is expected to disrupt MYH6 protein function with a positive predictive value of 80%. In summary, the available evidence is currently insufficient to determine the role of this variant in disease. Therefore, it has been classified as a Variant of Uncertain Significance.

Ambry Genetics
Classification: Uncertain significance for Cardiovascular phenotype. Last evaluated: 2023-05-31. Review status: criteria provided, single submitter. Criteria: Ambry Variant Classification Scheme 2023. Collection method: clinical testing. Allele origin: germline.

Fulgent Genetics
Classification: Uncertain significance for Hypertrophic cardiomyopathy 1; Hypertrophic cardiomyopathy 14; Dilated cardiomyopathy 1EE; Atrial septal defect 3; Sick sinus syndrome 3, susceptibility to. Last evaluated: 2021-11-22. Review status: criteria provided, single submitter. Criteria: ACMG Guidelines, 2015. Collection method: clinical testing. Allele origin: unknown.